The following is an entry in ClinVar:

NM_012309.5(SHANK2):c.1455C>T (p.Gly485=)

Gene: SHANK2 (SH3 and multiple ankyrin repeat domains 2; minus strand). Cytogenetic location: 11q13.4.
Variant type: single nucleotide variant.
Coding change: c.1455C>T on transcript NM_012309.5 (MANE Select); coding-DNA position 1455, C replaced by T.
Protein change: p.Gly485=; no amino-acid change (glycine 485 retained).
Molecular consequence: synonymous variant.
Genome position (GRCh38, 1-based): chr11:70,820,402, G>A on the plus strand (C>T on the coding strand, the complement: SHANK2 is on the minus strand). VCF-style: chr11-70820402-G-A. GRCh37 (hg19) VCF-style: chr11-70666507-G-A.
Other names: c.318C>T, p.Gly106= (NM_001379226.1).
Identifiers: ClinVar variation 4072453 (VCV004072453.1).
Genomic context (GRCh38, chr11:70,820,402, plus strand): 5'-CTTGGCGTCTGCCACTCCTTACCCGACATGCCAGAGAGGCTGCGGCCTCTTGCCGTCCTC[G>A]CCTGCGCCGCCCAGCCTGTTGAGCGATGGGGACCGGCTGCGGGGCCCGGGCACGTAGCTC-3'
Protein context (NP_036441.2, residues 475-495): SPSLNRLGGA[Gly485=]EDGKRPQPLW

ClinVar aggregate classification (germline): Uncertain significance (1 of 4 stars; one submission).

Submission:

GeneDx
Classification: Uncertain significance. Last evaluated: 2025-01-29. Review status: criteria provided, single submitter. Criteria: GeneDx Variant Classification Process June 2021. Collection method: clinical testing. Allele origin: germline. Affected: yes.
Comment: Identified in a cohort of individuals with neurodevelopmental disorders, but segregation and clinical information was not included (PMID: 33004838); Not observed at significant frequency in large population cohorts (gnomAD); In silico analysis supports a deleterious effect on splicing; This variant is associated with the following publications: (PMID: 33004838)